The following is an entry in ClinVar:

NM_024027.5(COLEC11):c.345C>T (p.Cys115=)

Gene: COLEC11 (collectin subfamily member 11; plus strand). Cytogenetic location: 2p25.3.
Variant type: single nucleotide variant.
Coding change: c.345C>T on transcript NM_024027.5 (MANE Select); coding-DNA position 345, C replaced by T.
Protein change: p.Cys115=; no amino-acid change (cysteine 115 retained).
Molecular consequence: synonymous variant. On other transcripts: non-coding transcript variant (1).
Genome position (GRCh38, 1-based): chr2:3,643,460, C>T. VCF-style: chr2-3643460-C-T. GRCh37 (hg19) VCF-style: chr2-3691050-C-T.
Other names: c.273C>T, p.Cys91= (NM_001255982.2, NM_001255983.2); c.201C>T, p.Cys67= (NM_001255984.2); c.387C>T, p.Cys129= (NM_001255985.1); c.267C>T, p.Cys89= (NM_001255986.1); c.195C>T, p.Cys65= (NM_001255987.1, NM_001255988.1); c.123C>T, p.Cys41= (NM_001255989.1); c.336C>T, p.Cys112= (NM_199235.3).
Identifiers: ClinVar variation 2650636 (VCV002650636.26), dbSNP rs544069491, ClinGen allele CA1517025.

ClinVar aggregate classification (germline): Likely benign. Review status: criteria provided, multiple submitters, no conflicts (2 of 4 stars). 3 submissions from 3 submitters: Likely benign (3). Last evaluated 2025-09-19.

Allele frequency attached by ClinVar (database versions not stated): ExAC 0.00002; gnomAD exomes 0.00003; gnomAD 0.00014; TOPMed 0.00022.
gnomAD v4.1: 68 of 1,613,672 alleles (0.0042%); highest among the groups gnomAD compares: Middle Eastern, 0.099%; 1 homozygote.

Submissions (3):

Labcorp Genetics (formerly Invitae), Labcorp
Classification: Likely benign. Last evaluated: 2025-09-19. Review status: criteria provided, single submitter. Criteria: Invitae Variant Classification Sherloc (09022015). Collection method: clinical testing. Allele origin: germline.

Blueprint Genetics
Classification: Likely benign. Last evaluated: 2024-11-04. Review status: criteria provided, single submitter. Criteria: ACMG Guidelines, 2015. Collection method: clinical testing. Allele origin: germline.

CeGaT Center for Human Genetics Tuebingen
Classification: Likely benign. Last evaluated: 2022-05-01. Review status: criteria provided, single submitter. Criteria: CeGaT Center For Human Genetics Tuebingen Variant Classification Criteria Version 2. Collection method: clinical testing. Allele origin: germline. Affected: yes. Observed: 1 variant allele.
Comment: COLEC11: BP4, BP7